The following is an entry in ClinVar:

NM_152327.5(AK7):c.277G>A (p.Ala93Thr)

Gene: AK7 (adenylate kinase 7; plus strand). Cytogenetic location: 14q32.2.
Variant type: single nucleotide variant.
Coding change: c.277G>A on transcript NM_152327.5 (MANE Select); coding-DNA position 277, G replaced by A.
Protein change: p.Ala93Thr; replaces alanine 93 with threonine.
Molecular consequence: missense variant.
Genome position (GRCh38, 1-based): chr14:96,398,246, G>A. VCF-style: chr14-96398246-G-A. GRCh37 (hg19) VCF-style: chr14-96864583-G-A.
Other names: c.277G>A, p.Ala93Thr (NM_001350888.2, NM_001350890.2, NM_001350891.2 and 1 more transcripts); short protein forms A93T.
Identifiers: ClinVar variation 3016917 (VCV003016917.2), dbSNP rs963326734, ClinGen allele CA266036082.
Genomic context (GRCh38, chr14:96,398,246, plus strand): 5'-GAAGGCACATTCCAGATTGTGGGCACGCTGTCCAAGCCTGACAGCCCGCGGCCTGACTTT[G>A]CGGTGGAGACGTACTCTGTAAGTCCCGGAGGCTCTGGCCAGGAGTAGACAGAGGGAAGAG-3'
Protein context (NP_689540.2, residues 83-103): SKPDSPRPDF[Ala93Thr]VETYSAISRE

ClinVar aggregate classification (germline): Uncertain significance (1 of 4 stars; one submission).

Allele frequency attached by ClinVar (database versions not stated): gnomAD exomes below 0.00001; TOPMed 0.00002.
gnomAD v4.1: 3 of 1,613,196 alleles (0.00019%); highest among the groups gnomAD compares: Admixed American, 0.0017%; no homozygotes.

Submission:

Labcorp Genetics (formerly Invitae), Labcorp
Classification: Uncertain significance. Last evaluated: 2023-04-18. Review status: criteria provided, single submitter. Criteria: Invitae Variant Classification Sherloc (09022015). Collection method: clinical testing. Allele origin: germline.
Comment: This variant has not been reported in the literature in individuals affected with AK7-related conditions. In summary, the available evidence is currently insufficient to determine the role of this variant in disease. Therefore, it has been classified as a Variant of Uncertain Significance. Advanced modeling of protein sequence and biophysical properties (such as structural, functional, and spatial information, amino acid conservation, physicochemical variation, residue mobility, and thermodynamic stability) performed at Invitae indicates that this missense variant is not expected to disrupt AK7 protein function. This variant is present in population databases (no rsID available, gnomAD 0.003%). This sequence change replaces alanine, which is neutral and non-polar, with threonine, which is neutral and polar, at codon 93 of the AK7 protein (p.Ala93Thr).